The following is an entry in ClinVar:

NM_016151.4(TAOK2):c.1630C>T (p.Arg544Trp)

Gene: TAOK2 (TAO kinase 2; plus strand). Cytogenetic location: 16p11.2.
Variant type: single nucleotide variant.
Coding change: c.1630C>T on transcript NM_016151.4 (MANE Select); coding-DNA position 1630, C replaced by T.
Protein change: p.Arg544Trp; replaces arginine 544 with tryptophan.
Molecular consequence: missense variant.
Genome position (GRCh38, 1-based): chr16:29,985,420, C>T. VCF-style: chr16-29985420-C-T. GRCh37 (hg19) VCF-style: chr16-29996741-C-T.
Other names: c.1630C>T, p.Arg544Trp (NM_001252043.2, NM_004783.4); short protein forms R544W.
Identifiers: ClinVar variation 4807895 (VCV004807895.1).

ClinVar aggregate classification (germline): Uncertain significance (1 of 4 stars; one submission).

gnomAD v4.1: 6 of 1,608,436 alleles (0.00037%); highest among the groups gnomAD compares: Admixed American, 0.0017%; no homozygotes.

Submission:

Labcorp Genetics (formerly Invitae), Labcorp
Classification: Uncertain significance. Last evaluated: 2026-01-02. Review status: criteria provided, single submitter. Criteria: Invitae Variant Classification Sherloc (09022015). Collection method: clinical testing. Allele origin: germline.
Comment: This sequence change replaces arginine, which is basic and polar, with tryptophan, which is neutral and slightly polar, at codon 544 of the TAOK2 protein (p.Arg544Trp). This variant is present in population databases (rs780311914, gnomAD 0.003%). This variant has not been reported in the literature in individuals affected with TAOK2-related conditions. An algorithm developed to predict the effect of missense changes on protein structure and function (PolyPhen-2) suggests that this variant is likely to be disruptive. In summary, the available evidence is currently insufficient to determine the role of this variant in disease. Therefore, it has been classified as a Variant of Uncertain Significance.